The following is an entry in ClinVar:

NM_024312.5(GNPTAB):c.1858_1880del (p.Thr620fs)

Gene: GNPTAB (N-acetylglucosamine-1-phosphate transferase subunits alpha and beta; minus strand). Cytogenetic location: 12q23.2.
Variant type: Deletion.
Coding change: c.1858_1880del on transcript NM_024312.5 (MANE Select); coding-DNA positions 1858 to 1880, 23 bases deleted (ACAAACGATGAAGAGTTCAAAAT).
Protein change: p.Thr620fs; shifts the reading frame from threonine 620.
Molecular consequence: frameshift variant.
Genome position (GRCh38, 1-based): chr12:101,765,037-101,765,059, ATTTTGAACTCTTCATCGTTTGT deleted on the plus strand (ACAAACGATGAAGAGTTCAAAAT on the coding strand, the reverse complement: GNPTAB is on the minus strand); deleting any 23 consecutive bases within chr12:101,765,037-101,765,067 gives the same sequence; the c. name uses the placement nearest the transcript's 3' end. VCF-style (leftmost placement, unchanged base first): chr12-101765036-CATTTTGAACTCTTCATCGTTTGT-C. GRCh37 (hg19) VCF-style: chr12-102158814-CATTTTGAACTCTTCATCGTTTGT-C.
Other names: c.1858_1880delACAAACGATGAAGAGTTCAAAAT (NM_024312.4); short protein forms T620fs.
Identifiers: ClinVar variation 2948683 (VCV002948683.4), dbSNP rs2547957750, ClinGen allele CA2740092581.

ClinVar aggregate classification (germline): Pathogenic/Likely pathogenic. Review status: criteria provided, multiple submitters, no conflicts (2 of 4 stars). 2 submissions from 2 submitters: Pathogenic (1); Likely pathogenic (1). Last evaluated 2025-02-11.

Conditions:
Mucolipidosis type II. Also called: ML II ALPHA/BETA; Mucolipidosis 2; ML 2; Inclusion cell disease; Leroy Disease; N-acetylglucosamine 1phosphotransferase deficiency. Identifiers: Orphanet 576, MedGen C2673377, MONDO:0009650, OMIM 252500.
Pseudo-Hurler polydystrophy. Also called: ML III; ML III ALPHA/BETA; Type III Mucolipidosis; ML IIIA; Mucolipidosis III Alpha/Beta; MUCOLIPIDOSIS IIIA. Identifiers: Orphanet 423461, Orphanet 577, MedGen C0033788, MONDO:0018931, OMIM 252600.

Submissions (2):

Natera, Inc.
Classification: Likely pathogenic for Mucolipidosis type II. Last evaluated: 2025-02-11. Review status: criteria provided, single submitter. Criteria: Natera Variant Classification Schema (03/2026). Collection method: clinical testing. Allele origin: germline.
Comment: The c.1858_1880delACAAACGATGAAGAGTTCAAAAT variant in GNPTAB is a frameshift variant predicted to shift the reading frame beginning at codon 620 and leads to a stop codon 27 codons downstream. This variant is expected to result in nonsense mediated decay, truncation, or a dysfunctional protein product. This variant is rare in the general population with a frequency below the threshold expected for the associated phenotype(s). Given the available evidence, this variant is classified as Likely Pathogenic.

Labcorp Genetics (formerly Invitae), Labcorp
Classification: Pathogenic for Pseudo-Hurler polydystrophy; Mucolipidosis type II. Last evaluated: 2023-06-09. Review status: criteria provided, single submitter. Criteria: Invitae Variant Classification Sherloc (09022015). Collection method: clinical testing. Allele origin: germline.
Comment: For these reasons, this variant has been classified as Pathogenic. This variant has not been reported in the literature in individuals affected with GNPTAB-related conditions. This variant is not present in population databases (gnomAD no frequency). This sequence change creates a premature translational stop signal (p.Thr620Alafs*27) in the GNPTAB gene. It is expected to result in an absent or disrupted protein product. Loss-of-function variants in GNPTAB are known to be pathogenic (PMID: 19617216, 25107912).

Literature cited by the submitters: PubMed 19617216 (cited by Labcorp Genetics (formerly Invitae), Labcorp); PubMed 25107912 (cited by Labcorp Genetics (formerly Invitae), Labcorp).